The following is an entry in ClinVar:

ClinVar aggregate classification (germline): Uncertain significance. Review status: criteria provided, multiple submitters, no conflicts (2 of 4 stars). 4 submissions from 4 submitters: Uncertain significance (4). Last evaluated 2025-05-01.

Conditions:
Primary dilated cardiomyopathy (DCM). Also called: Dilated Cardiomyopathy. Identifiers: Orphanet 217604, MedGen C0007193, MeSH D002311, MONDO:0005021, HP:0001644. Inheritance: Various modes of inheritance.
Hypertrophic cardiomyopathy 14. Identifiers: MedGen C2750467, MONDO:0013197, OMIM 613251.

Allele frequency attached by ClinVar (database versions not stated): gnomAD exomes below 0.00001.
gnomAD v4.1: 3 of 1,614,246 alleles (0.00019%); highest among the groups gnomAD compares: African/African-American, 0.0013%; no homozygotes.

Submissions (4):

GeneDx
Classification: Uncertain significance. Last evaluated: 2025-05-01. Review status: criteria provided, single submitter. Criteria: GeneDx Variant Classification Process June 2021. Collection method: clinical testing. Allele origin: germline. Affected: yes.
Comment: Not observed at significant frequency in large population cohorts (gnomAD); In silico analysis supports that this missense variant has a deleterious effect on protein structure/function; Has not been previously published as pathogenic or benign to our knowledge

Labcorp Genetics (formerly Invitae), Labcorp
Classification: Uncertain significance for Hypertrophic cardiomyopathy 14. Last evaluated: 2024-09-16. Review status: criteria provided, single submitter. Criteria: Invitae Variant Classification Sherloc (09022015). Collection method: clinical testing. Allele origin: germline.
Comment: This sequence change replaces asparagine, which is neutral and polar, with serine, which is neutral and polar, at codon 445 of the MYH6 protein (p.Asn445Ser). This variant is not present in population databases (gnomAD no frequency). This variant has not been reported in the literature in individuals affected with MYH6-related conditions. ClinVar contains an entry for this variant (Variation ID: 2505330). Invitae Evidence Modeling of protein sequence and biophysical properties (such as structural, functional, and spatial information, amino acid conservation, physicochemical variation, residue mobility, and thermodynamic stability) indicates that this missense variant is expected to disrupt MYH6 protein function with a positive predictive value of 80%. In summary, the available evidence is currently insufficient to determine the role of this variant in disease. Therefore, it has been classified as a Variant of Uncertain Significance.

Clinical Center for Gene Diagnosis and Therapy, Department of Cardiovascular Surgery, The Second Xiangya Hospital of Central South University
Classification: Uncertain significance for Primary dilated cardiomyopathy. Last evaluated: 2023-06-01. Review status: criteria provided, single submitter. Criteria: ACMG Guidelines, 2015. Collection method: clinical testing. Allele origin: germline. Affected: yes.

Blueprint Genetics
Classification: Uncertain significance. Last evaluated: 2022-03-07. Review status: criteria provided, single submitter. Criteria: ACMG Guidelines, 2015. Collection method: clinical testing. Allele origin: germline.

NM_002471.4(MYH6):c.1334A>G (p.Asn445Ser)

Gene: MYH6 (myosin heavy chain 6; minus strand). Cytogenetic location: 14q11.2.
Variant type: single nucleotide variant.
Coding change: c.1334A>G on transcript NM_002471.4 (MANE Select); coding-DNA position 1334, A replaced by G.
Protein change: p.Asn445Ser; replaces asparagine 445 with serine.
Molecular consequence: missense variant.
Genome position (GRCh38, 1-based): chr14:23,400,785, T>C on the plus strand (A>G on the coding strand, the complement: MYH6 is on the minus strand). VCF-style: chr14-23400785-T-C. GRCh37 (hg19) VCF-style: chr14-23869994-T-C.
Other names: short protein forms N445S.
Identifiers: ClinVar variation 2505330 (VCV002505330.6), dbSNP rs2502193149, ClinGen allele CA389023667.